The following is an entry in ClinVar:

ClinVar aggregate classification (germline): Pathogenic/Likely pathogenic. Review status: criteria provided, multiple submitters, no conflicts (2 of 4 stars). 2 submissions from 2 submitters: Pathogenic (1); Likely pathogenic (1). Last evaluated 2022-06-16.

Conditions:
COL4A5-related disorders.

Submissions (2):

GeneDx
Classification: Pathogenic. Last evaluated: 2022-06-16. Review status: criteria provided, single submitter. Criteria: GeneDx Variant Classification Process June 2021. Collection method: clinical testing. Allele origin: germline. Affected: yes.
Comment: Affects a glycine residue in a Gly-X-Y motif in the triple helical region of the COL4A5 gene, where the majority of pathogenic missense variants occur, and is predicted to disrupt normal protein folding and function (Stenson et al., 2014; Jais et al., 2000); Not observed at significant frequency in large population cohorts (gnomAD); In silico analysis supports that this missense variant has a deleterious effect on protein structure/function; This variant is associated with the following publications: (PMID: 10752524, 24077912, 11004279)

Blueprint Genetics
Classification: Likely pathogenic for COL4A5-related disorders. Last evaluated: 2021-07-26. Review status: criteria provided, single submitter. Criteria: ACMG Guidelines, 2015. Collection method: clinical testing. Allele origin: germline. Affected: yes. Observed: 1 variant allele.

NM_033380.3(COL4A5):c.529G>T (p.Gly177Cys)

Gene: COL4A5 (collagen type IV alpha 5 chain; plus strand). Cytogenetic location: Xq22.3.
Variant type: single nucleotide variant.
Coding change: c.529G>T on transcript NM_033380.3 (MANE Select); coding-DNA position 529, G replaced by T.
Protein change: p.Gly177Cys; replaces glycine 177 with cysteine.
Molecular consequence: missense variant.
Genome position (GRCh38, 1-based): chrX:108,573,637, G>T. VCF-style: chrX-108573637-G-T. GRCh37 (hg19) VCF-style: chrX-107816867-G-T.
Other names: c.529G>T, p.Gly177Cys (NM_000495.5); short protein forms G177C.
Identifiers: ClinVar variation 1804616 (VCV001804616.2), dbSNP rs104886056, ClinGen allele CA258257.